The following is an entry in ClinVar:

ClinVar aggregate classification (germline): Uncertain significance (1 of 4 stars; one submission).

Conditions:
Autosomal dominant polycystic kidney disease. Identifiers: Orphanet 730, MedGen C0085413, MONDO:0004691.

Submission:

Labcorp Genetics (formerly Invitae), Labcorp
Classification: Uncertain significance for Autosomal dominant polycystic kidney disease. Last evaluated: 2025-08-07. Review status: criteria provided, single submitter. Criteria: Invitae Variant Classification Sherloc (09022015). Collection method: clinical testing. Allele origin: germline.
Comment: This sequence change affects codon 237 of the PKD2 mRNA. It is a 'silent' change, meaning that it does not change the encoded amino acid sequence of the PKD2 protein. It affects a nucleotide within the consensus splice site. This variant is not present in population databases (gnomAD no frequency). This variant has not been reported in the literature in individuals affected with PKD2-related conditions. Algorithms developed to predict the effect of sequence changes on RNA splicing suggest that this variant is not likely to affect RNA splicing. In summary, the available evidence is currently insufficient to determine the role of this variant in disease. Therefore, it has been classified as a Variant of Uncertain Significance.

NM_000297.4(PKD2):c.709T>C (p.Leu237=)

Gene: PKD2 (polycystin 2, transient receptor potential cation channel; plus strand). Cytogenetic location: 4q22.1.
Variant type: single nucleotide variant.
Coding change: c.709T>C on transcript NM_000297.4 (MANE Select); coding-DNA position 709, T replaced by C.
Protein change: p.Leu237=; no amino-acid change (leucine 237 retained).
Molecular consequence: synonymous variant. On other transcripts: non-coding transcript variant (1).
Genome position (GRCh38, 1-based): chr4:88,019,571, T>C. VCF-style: chr4-88019571-T-C. GRCh37 (hg19) VCF-style: chr4-88940723-T-C.
Other names: c.709T>C, p.Leu237= (NM_001440544.1).
Identifiers: ClinVar variation 4743028 (VCV004743028.1).